The following is an entry in ClinVar:

NM_181426.2(CCDC39):c.2492_2496del (p.Met831fs)

Genes: CCDC39 (coiled-coil domain 39 molecular ruler complex subunit; minus strand), TTC14 (tetratricopeptide repeat domain 14; plus strand). Cytogenetic location: 3q26.33.
Variant type: Microsatellite.
Coding change: c.2492_2496del on transcript NM_181426.2 (MANE Select); coding-DNA positions 2492 to 2496, 5 bases deleted (TGAAA; older notation c.2492_2496delTGAAA).
Protein change: p.Met831fs; shifts the reading frame from methionine 831.
Molecular consequence: frameshift variant. On other transcripts: intron variant (1).
Genome position (GRCh38, 1-based): chr3:180,616,606-180,616,610, TTTCA deleted on the plus strand (TGAAA on the coding strand, the reverse complement: CCDC39 is on the minus strand); deleting any 5 consecutive bases within chr3:180,616,606-180,616,615 gives the same sequence; the c. name uses the placement nearest the transcript's 3' end. VCF-style (leftmost placement, unchanged base first): chr3-180616605-GTTTCA-G. GRCh37 (hg19) VCF-style: chr3-180334393-GTTTCA-G.
Other names: c.1775-769_1775-765del (NM_001288582.2); short protein forms M831fs.
Identifiers: ClinVar variation 2913307 (VCV002913307.4), dbSNP rs2473777314, ClinGen allele CA2668684015.

ClinVar aggregate classification (germline): Pathogenic/Likely pathogenic. Review status: criteria provided, multiple submitters, no conflicts (2 of 4 stars). 2 submissions from 2 submitters: Pathogenic (1); Likely pathogenic (1). Last evaluated 2024-05-13.

Conditions:
Primary ciliary dyskinesia. Also called: Ciliary dyskinesia. Identifiers: Orphanet 244, MedGen C0008780, MONDO:0016575, HP:0012265.
Primary ciliary dyskinesia 14. Also called: CILIARY DYSKINESIA, PRIMARY, 14, WITH OR WITHOUT SITUS INVERSUS. Identifiers: Orphanet 244, MedGen C3151136, MONDO:0013434, OMIM 613807.

Submissions (2):

Fulgent Genetics
Classification: Likely pathogenic for Primary ciliary dyskinesia 14. Last evaluated: 2024-05-13. Review status: criteria provided, single submitter. Criteria: ACMG Guidelines, 2015. Collection method: clinical testing. Allele origin: germline.

Labcorp Genetics (formerly Invitae), Labcorp
Classification: Pathogenic for Primary ciliary dyskinesia. Last evaluated: 2023-10-29. Review status: criteria provided, single submitter. Criteria: Invitae Variant Classification Sherloc (09022015). Collection method: clinical testing. Allele origin: germline.
Comment: This sequence change creates a premature translational stop signal (p.Met831Thrfs*7) in the CCDC39 gene. It is expected to result in an absent or disrupted protein product. Loss-of-function variants in CCDC39 are known to be pathogenic (PMID: 21131972, 23255504). This variant is not present in population databases (gnomAD no frequency). This variant has not been reported in the literature in individuals affected with CCDC39-related conditions. For these reasons, this variant has been classified as Pathogenic.

Literature cited by the submitters: PubMed 21131972 (cited by Labcorp Genetics (formerly Invitae), Labcorp); PubMed 23255504 (cited by Labcorp Genetics (formerly Invitae), Labcorp).